The following is an entry in ClinVar:

NM_000548.5(TSC2):c.1463T>C (p.Val488Ala)

Gene: TSC2 (TSC complex subunit 2; plus strand). Cytogenetic location: 16p13.3.
Variant type: single nucleotide variant.
Coding change: c.1463T>C on transcript NM_000548.5 (MANE Select); coding-DNA position 1463, T replaced by C.
Protein change: p.Val488Ala; replaces valine 488 with alanine.
Molecular consequence: missense variant.
Genome position (GRCh38, 1-based): chr16:2,064,291, T>C. VCF-style: chr16-2064291-T-C. GRCh37 (hg19) VCF-style: chr16-2114292-T-C.
Other names: c.1463T>C, p.Val488Ala (NM_021055.3, NM_001077183.3, NM_001114382.3 and 3 more transcripts); c.1352T>C, p.Val451Ala (NM_001318827.2); c.1316T>C, p.Val439Ala (NM_001318829.2); c.863T>C, p.Val288Ala (NM_001318831.2); c.1496T>C, p.Val499Ala (NM_001318832.2); short protein forms V488A, V288A, V499A, V451A, V439A.
Identifiers: ClinVar variation 568181 (VCV000568181.19), dbSNP rs760205499, ClinGen allele CA394325631.

ClinVar aggregate classification (germline): Conflicting classifications of pathogenicity. Review status: criteria provided, conflicting classifications (1 of 4 stars). 6 submissions from 6 submitters: Uncertain significance (5); Benign (1). Last evaluated 2025-06-23.

Conditions:
Tuberous sclerosis syndrome (TSC). Also called: Tuberous Sclerosis Complex; Tuberous sclerosis. Identifiers: Orphanet 805, MedGen C0041341, MONDO:0001734.
Tuberous sclerosis 2 (TSC2). Identifiers: Orphanet 805, MedGen C1860707, MONDO:0013199, OMIM 613254.
Hereditary cancer-predisposing syndrome. Also called: Neoplastic Syndromes, Hereditary; Tumor predisposition; Hereditary Cancer Syndrome; Hereditary neoplastic syndrome. Identifiers: Orphanet 140162, MedGen C0027672, MeSH D009386, MONDO:0015356.

Allele frequency attached by ClinVar (database versions not stated): TOPMed below 0.00001; gnomAD 0.00001.

Submissions (6):

Color Diagnostics, LLC DBA Color Health
Classification: Uncertain significance for Tuberous sclerosis syndrome. Last evaluated: 2025-06-23. Review status: criteria provided, single submitter. Criteria: ACMG Guidelines, 2015. Collection method: clinical testing. Allele origin: germline.
Comment: This missense variant replaces valine with alanine at codon 488 of the TSC2 protein. Computational prediction suggests that this variant may have deleterious impact on protein structure and function. To our knowledge, functional studies have not been reported for this variant. This variant has not been reported in individuals affected with TSC2-related disorders in the literature. This variant has not been identified in the general population by the Genome Aggregation Database (gnomAD). The available evidence is insufficient to determine the role of this variant in disease conclusively. Therefore, this variant is classified as a Variant of Uncertain Significance.

Labcorp Genetics (formerly Invitae), Labcorp
Classification: Benign for Tuberous sclerosis 2. Last evaluated: 2025-03-20. Review status: criteria provided, single submitter. Criteria: Invitae Variant Classification Sherloc (09022015). Collection method: clinical testing. Allele origin: germline.

Women's Health and Genetics/Laboratory Corporation of America, LabCorp
Classification: Uncertain significance. Last evaluated: 2023-12-31. Review status: criteria provided, single submitter. Criteria: LabCorp Variant Classification Summary - May 2015. Collection method: clinical testing. Allele origin: germline.

Ambry Genetics
Classification: Uncertain significance for Hereditary cancer-predisposing syndrome. Last evaluated: 2023-10-05. Review status: criteria provided, single submitter. Criteria: Ambry Variant Classification Scheme 2023. Collection method: clinical testing. Allele origin: germline.
Comment: The p.V488A variant (also known as c.1463T>C), located in coding exon 14 of the TSC2 gene, results from a T to C substitution at nucleotide position 1463. The valine at codon 488 is replaced by alanine, an amino acid with similar properties. This amino acid position is highly conserved in available vertebrate species. In addition, this alteration is predicted to be deleterious by in silico analysis. Since supporting evidence is limited at this time, the clinical significance of this alteration remains unclear.

GeneDx
Classification: Uncertain significance. Last evaluated: 2023-03-31. Review status: criteria provided, single submitter. Criteria: GeneDx Variant Classification Process June 2021. Collection method: clinical testing. Allele origin: germline. Affected: yes.
Comment: Not observed at significant frequency in large population cohorts (gnomAD); In silico analysis supports that this missense variant has a deleterious effect on protein structure/function; Has not been previously published as pathogenic or benign to our knowledge

Genome-Nilou Lab
Classification: Uncertain significance for Tuberous sclerosis 2. Last evaluated: 2021-11-07. Review status: criteria provided, single submitter. Criteria: ACMG Guidelines, 2015. Collection method: clinical testing. Allele origin: germline. Affected: no.